The following is an entry in ClinVar:

NM_199242.3(UNC13D):c.1807G>A (p.Glu603Lys)

Gene: UNC13D (unc-13 homolog D; minus strand). Cytogenetic location: 17q25.1.
Variant type: single nucleotide variant.
Coding change: c.1807G>A on transcript NM_199242.3 (MANE Select); coding-DNA position 1807, G replaced by A.
Protein change: p.Glu603Lys; replaces glutamic acid 603 with lysine.
Molecular consequence: missense variant.
Genome position (GRCh38, 1-based): chr17:75,835,450, C>T on the plus strand (G>A on the coding strand, the complement: UNC13D is on the minus strand). VCF-style: chr17-75835450-C-T. GRCh37 (hg19) VCF-style: chr17-73831531-C-T.
Other names: p.Glu603Lys; short protein forms E603K.
Identifiers: ClinVar variation 1982062 (VCV001982062.2), dbSNP rs755348845, ClinGen allele CA8772803.

ClinVar aggregate classification (germline): Uncertain significance. Review status: criteria provided, multiple submitters, no conflicts (2 of 4 stars). 2 submissions from 2 submitters: Uncertain significance (2). Last evaluated 2024-08-29.

Conditions:
Familial hemophagocytic lymphohistiocytosis 3 (FHL3). Also called: UNC13D-Related Familial Hemophagocytic Lymphohistiocytosis (UNC13D-fHLH). Identifiers: Orphanet 540, MedGen C1837174, MONDO:0012146, OMIM 608898.

gnomAD v4.1: 14 of 1,612,818 alleles (0.00087%); highest among the groups gnomAD compares: African/African-American, 0.0027%; no homozygotes.

Submissions (2):

Mayo Clinic Laboratories, Mayo Clinic
Classification: Uncertain significance. Last evaluated: 2024-08-29. Review status: criteria provided, single submitter. Criteria: ACMG Guidelines, 2015. Collection method: clinical testing. Allele origin: germline. Observed: 1 variant allele.
Comment: BP4, PM2

Labcorp Genetics (formerly Invitae), Labcorp
Classification: Uncertain significance for Familial hemophagocytic lymphohistiocytosis 3. Last evaluated: 2022-06-09. Review status: criteria provided, single submitter. Criteria: Invitae Variant Classification Sherloc (09022015). Collection method: clinical testing. Allele origin: germline.
Comment: This sequence change replaces glutamic acid, which is acidic and polar, with lysine, which is basic and polar, at codon 603 of the UNC13D protein (p.Glu603Lys). This variant is present in population databases (rs755348845, gnomAD 0.004%). This variant has not been reported in the literature in individuals affected with UNC13D-related conditions. Algorithms developed to predict the effect of missense changes on protein structure and function are either unavailable or do not agree on the potential impact of this missense change (SIFT: "Not Available"; PolyPhen-2: "Benign"; Align-GVGD: "Not Available"). In summary, the available evidence is currently insufficient to determine the role of this variant in disease. Therefore, it has been classified as a Variant of Uncertain Significance.